The following is an entry in ClinVar:

ClinVar aggregate classification (germline): Benign/Likely benign. Review status: criteria provided, multiple submitters, no conflicts (2 of 4 stars). 3 submissions from 3 submitters: Benign (2); Likely benign (1). Last evaluated 2026-01-27.

Allele frequency attached by ClinVar (database versions not stated): gnomAD exomes 0.00030 and 0.00071; ExAC 0.00098; gnomAD 0.00288 and 0.00304; ESP Exome Variant Server 0.00300; TOPMed 0.00356; 1000 Genomes Project 0.00459; 1000 Genomes Project 30x 0.00515.
gnomAD v4.1: 886 of 1,611,086 alleles (0.055%); highest among the groups gnomAD compares: African/African-American, 1.1%; 6 homozygotes.

Submissions (3):

Labcorp Genetics (formerly Invitae), Labcorp
Classification: Benign. Last evaluated: 2026-01-27. Review status: criteria provided, single submitter. Criteria: Invitae Variant Classification Sherloc (09022015). Collection method: clinical testing. Allele origin: germline.

Mayo Clinic Laboratories, Mayo Clinic
Classification: Benign. Last evaluated: 2025-03-26. Review status: criteria provided, single submitter. Criteria: ACMG Guidelines, 2015. Collection method: clinical testing. Allele origin: germline. Observed: 2 variant alleles.
Comment: BS1, BS2, BP4, BP7

Blueprint Genetics
Classification: Likely benign. Last evaluated: 2024-09-20. Review status: criteria provided, single submitter. Criteria: ACMG Guidelines, 2015. Collection method: clinical testing. Allele origin: germline.

NM_002336.3(LRP6):c.1374-6C>G

Gene: LRP6 (LDL receptor related protein 6; minus strand). Cytogenetic location: 12p13.2.
Variant type: single nucleotide variant.
Coding change: c.1374-6C>G on transcript NM_002336.3 (MANE Select); 6 bases into the intron before coding-DNA position 1374, C replaced by G.
Molecular consequence: intron variant.
Genome position (GRCh38, 1-based): chr12:12,179,987, G>C on the plus strand (C>G on the coding strand, the complement: LRP6 is on the minus strand). VCF-style: chr12-12179987-G-C. GRCh37 (hg19) VCF-style: chr12-12332921-G-C.
Other names: p.?.
Identifiers: ClinVar variation 1666499 (VCV001666499.10), dbSNP rs115647449, ClinGen allele CA6455682.